The following is an entry in ClinVar:

NM_002485.5(NBN):c.1931A>G (p.Gln644Arg)

Gene: NBN (nibrin; minus strand). Cytogenetic location: 8q21.3.
Variant type: single nucleotide variant.
Coding change: c.1931A>G on transcript NM_002485.5 (MANE Select); coding-DNA position 1931, A replaced by G.
Protein change: p.Gln644Arg; replaces glutamine 644 with arginine.
Molecular consequence: missense variant.
Genome position (GRCh38, 1-based): chr8:89,946,279, T>C on the plus strand (A>G on the coding strand, the complement: NBN is on the minus strand). VCF-style: chr8-89946279-T-C. GRCh37 (hg19) VCF-style: chr8-90958507-T-C.
Other names: c.1685A>G, p.Gln562Arg (NM_001024688.3); short protein forms Q644R, Q562R.
Identifiers: ClinVar variation 461529 (VCV000461529.6), dbSNP rs1554556598, ClinGen allele CA371676778.

ClinVar aggregate classification (germline): Uncertain significance (1 of 4 stars; one submission).

Conditions:
Microcephaly, normal intelligence and immunodeficiency (NBS). Also called: IMMUNODEFICIENCY, MICROCEPHALY, AND CHROMOSOMAL INSTABILITY; SEEMANOVA SYNDROME II; Nijmegen breakage syndrome; Microcephaly with normal intelligence immunodeficiency and lymphoreticular malignancies; Nonsyndromal microcephaly autosomal recessive with normal intelligence; Seemanova syndrome 2. Identifiers: Orphanet 647, MedGen C0398791, MONDO:0009623, OMIM 251260.

Submission:

Labcorp Genetics (formerly Invitae), Labcorp
Classification: Uncertain significance for Microcephaly, normal intelligence and immunodeficiency. Last evaluated: 2021-08-28. Review status: criteria provided, single submitter. Criteria: Invitae Variant Classification Sherloc (09022015). Collection method: clinical testing. Allele origin: germline.
Comment: This sequence change replaces glutamine with arginine at codon 644 of the NBN protein (p.Gln644Arg). The glutamine residue is weakly conserved and there is a small physicochemical difference between glutamine and arginine. This variant is not present in population databases (ExAC no frequency). This variant has not been reported in the literature in individuals affected with NBN-related conditions. Algorithms developed to predict the effect of missense changes on protein structure and function (SIFT, PolyPhen-2, Align-GVGD) all suggest that this variant is likely to be tolerated. In summary, the available evidence is currently insufficient to determine the role of this variant in disease. Therefore, it has been classified as a Variant of Uncertain Significance.